The following is an entry in ClinVar:

ClinVar aggregate classification (germline): Uncertain significance (1 of 4 stars; one submission).

Submission:

Labcorp Genetics (formerly Invitae), Labcorp
Classification: Uncertain significance. Last evaluated: 2023-06-16. Review status: criteria provided, single submitter. Criteria: Invitae Variant Classification Sherloc (09022015). Collection method: clinical testing. Allele origin: germline.
Comment: Information on the frequency of this variant in the gnomAD database is not available, as this variant may be reported differently in the database. In summary, the available evidence is currently insufficient to determine the role of this variant in disease. Therefore, it has been classified as a Variant of Uncertain Significance. An algorithm developed to predict the effect of missense changes on protein structure and function (PolyPhen-2) suggests that this variant is likely to be disruptive. This variant has not been reported in the literature in individuals affected with HOXB13-related conditions. This sequence change replaces serine, which is neutral and polar, with phenylalanine, which is neutral and non-polar, at codon 250 of the HOXB13 protein (p.Ser250Phe).

NM_006361.6(HOXB13):c.749_750delinsTC (p.Ser250Phe)

Gene: HOXB13 (homeobox B13; minus strand). Cytogenetic location: 17q21.32.
Variant type: Indel.
Coding change: c.749_750delinsTC on transcript NM_006361.6 (MANE Select); coding-DNA positions 749 to 750, CG replaced by TC.
Protein change: p.Ser250Phe; replaces serine 250 with phenylalanine.
Molecular consequence: missense variant.
Genome position (GRCh38, 1-based): chr17:48,726,895-48,726,896, CG replaced by GA on the plus strand (CG replaced by TC on the coding strand, the reverse complement: HOXB13 is on the minus strand). VCF-style: chr17-48726895-CG-GA. GRCh37 (hg19) VCF-style: chr17-46804257-CG-GA.
Other names: short protein forms S250F.
Identifiers: ClinVar variation 2717376 (VCV002717376.3), dbSNP rs2509512999, ClinGen allele CA2697560289.